The following is an entry in ClinVar:

ClinVar aggregate classification (germline): Uncertain significance (1 of 4 stars; one submission).

Submission:

Labcorp Genetics (formerly Invitae), Labcorp
Classification: Uncertain significance. Last evaluated: 2022-10-26. Review status: criteria provided, single submitter. Criteria: Invitae Variant Classification Sherloc (09022015). Collection method: clinical testing. Allele origin: germline.
Comment: This sequence change replaces asparagine, which is neutral and polar, with lysine, which is basic and polar, at codon 176 of the ERBB2 protein (p.Asn176Lys). This variant is not present in population databases (gnomAD no frequency). This variant has not been reported in the literature in individuals affected with ERBB2-related conditions. Advanced modeling of protein sequence and biophysical properties (such as structural, functional, and spatial information, amino acid conservation, physicochemical variation, residue mobility, and thermodynamic stability) performed at Invitae indicates that this missense variant is not expected to disrupt ERBB2 protein function. In summary, the available evidence is currently insufficient to determine the role of this variant in disease. Therefore, it has been classified as a Variant of Uncertain Significance.

NM_004448.4(ERBB2):c.528C>A (p.Asn176Lys)

Gene: ERBB2 (erb-b2 receptor tyrosine kinase 2; plus strand). Cytogenetic location: 17q12.
Variant type: single nucleotide variant.
Coding change: c.528C>A on transcript NM_004448.4 (MANE Select); coding-DNA position 528, C replaced by A.
Protein change: p.Asn176Lys; replaces asparagine 176 with lysine.
Molecular consequence: missense variant. On other transcripts: non-coding transcript variant (1), intron variant (2).
Genome position (GRCh38, 1-based): chr17:39,709,406, C>A. VCF-style: chr17-39709406-C-A. GRCh37 (hg19) VCF-style: chr17-37865659-C-A.
Other names: c.438C>A, p.Asn146Lys (NM_001005862.3, NM_001289938.2, NM_001382782.1 and 1 more transcripts); c.483C>A, p.Asn161Lys (NM_001289936.2); c.528C>A, p.Asn176Lys (NM_001289937.2, NM_001382784.1, NM_001382785.1 and 17 more transcripts); c.603C>A, p.Asn201Lys (NM_001382787.1); c.519C>A, p.Asn173Lys (NM_001382791.1); c.440-452C>A (NM_001382799.1); c.74-2522C>A (NM_001382804.1); short protein forms N161K, N173K, N146K, N176K, N201K.
Identifiers: ClinVar variation 2872579 (VCV002872579.3), dbSNP rs56114611, ClinGen allele CA399275597.